The following is an entry in ClinVar:

ClinVar aggregate classification (germline): Conflicting classifications of pathogenicity. Review status: criteria provided, conflicting classifications (1 of 4 stars). 9 submissions from 9 submitters: Uncertain significance (7); Likely benign (2). Last evaluated 2026-03-23.

Conditions:
TTN-related disorder. Also called: TTN-related condition; TTN-related disease; TTN-related disorders.
Dilated cardiomyopathy 1G (CMD1G). Identifiers: Orphanet 154, MedGen C1858763, MONDO:0011400, OMIM 604145.
Autosomal recessive limb-girdle muscular dystrophy type 2J (LGMDR10). Also called: Limb-girdle muscular dystrophy, type 2J; MUSCULAR DYSTROPHY, LIMB-GIRDLE, AUTOSOMAL RECESSIVE 10. Identifiers: Orphanet 140922, MedGen C1837342, MONDO:0012127, OMIM 608807.

Allele frequency attached by ClinVar (database versions not stated): gnomAD exomes 0.00003 and 0.00005; gnomAD 0.00004; TOPMed 0.00006; ESP Exome Variant Server 0.00009; ExAC 0.00014.
gnomAD v4.1: 52 of 1,563,460 alleles (0.0033%); highest among the groups gnomAD compares: Non-Finnish European, 0.0042%; no homozygotes.

Submissions (9):

PreventionGenetics, part of Exact Sciences
Classification: Uncertain significance for TTN-related condition. Last evaluated: 2026-03-23. Review status: criteria provided, single submitter. Criteria: ACMG Guidelines, 2015. Collection method: clinical testing. Allele origin: germline.
Comment: The TTN c.30857T>C variant is predicted to result in the amino acid substitution p.Ile10286Thr. To our knowledge, this variant has not been reported in the literature. This variant is reported in 0.013% of alleles in individuals of European (Non-Finnish) descent in gnomAD. At this time, the clinical significance of this variant is uncertain due to the absence of conclusive functional and genetic evidence.

Molecular Diagnostic Laboratory for Inherited Cardiovascular Disease, Montreal Heart Institute
Classification: Likely benign. Last evaluated: 2025-07-24. Review status: criteria provided, single submitter. Criteria: ACMG Guidelines, 2015. Collection method: clinical testing. Allele origin: germline. Affected: no.

Blueprint Genetics
Classification: Likely benign. Last evaluated: 2024-11-26. Review status: criteria provided, single submitter. Criteria: ACMG Guidelines, 2015. Collection method: clinical testing. Allele origin: germline.

Revvity Omics, Revvity
Classification: Uncertain significance. Last evaluated: 2024-09-16. Review status: criteria provided, single submitter. Criteria: ACMG Guidelines, 2015. Collection method: clinical testing. Allele origin: germline.

Women's Health and Genetics/Laboratory Corporation of America, LabCorp
Classification: Uncertain significance. Last evaluated: 2023-05-22. Review status: criteria provided, single submitter. Criteria: LabCorp Variant Classification Summary - May 2015. Collection method: clinical testing. Allele origin: germline.

Labcorp Genetics (formerly Invitae), Labcorp
Classification: Uncertain significance for Dilated cardiomyopathy 1G; Autosomal recessive limb-girdle muscular dystrophy type 2J. Last evaluated: 2017-11-06. Review status: criteria provided, single submitter. Criteria: Invitae Variant Classification Sherloc (09022015). Collection method: clinical testing. Allele origin: germline.

Genetic Services Laboratory, University of Chicago
Classification: Uncertain significance. Last evaluated: 2016-10-11. Review status: criteria provided, single submitter. Criteria: ACMG Guidelines, 2015. Collection method: clinical testing. Allele origin: germline. Affected: no.

Laboratory for Molecular Medicine, Mass General Brigham Personalized Medicine
Classification: Uncertain significance. Last evaluated: 2015-03-12. Review status: criteria provided, single submitter. Criteria: LMM Criteria. Collection method: clinical testing. Allele origin: germline. Observed: 2 variant alleles.
Comment: It has also been identified in 4/12744 European chromosomes by the Exome Aggregation Consortium (ExAC; dbSN P rs369094355). Computational prediction tools and conservation analysis do not provide strong support for or against an impact to the protein. In summary, the clinical significance of the p.Ile9042Thr variant is uncertain.

Eurofins Ntd Llc (ga)
Classification: Uncertain significance. Last evaluated: 2015-02-16. Review status: criteria provided, single submitter. Criteria: EGL Classification Definitions 2015. Collection method: clinical testing. Allele origin: germline. Observed: 2 variant alleles, 2 heterozygotes.

NM_001267550.2(TTN):c.30857T>C (p.Ile10286Thr)

Gene: TTN (titin; minus strand). Cytogenetic location: 2q31.2.
Variant type: single nucleotide variant.
Coding change: c.30857T>C on transcript NM_001267550.2 (MANE Select); coding-DNA position 30857, T replaced by C.
Protein change: p.Ile10286Thr; replaces isoleucine 10286 with threonine.
Molecular consequence: missense variant. On other transcripts: intron variant (3).
Genome position (GRCh38, 1-based): chr2:178,696,215, A>G on the plus strand (T>C on the coding strand, the complement: TTN is on the minus strand). VCF-style: chr2-178696215-A-G. GRCh37 (hg19) VCF-style: chr2-179560942-A-G.
Other names: c.27125T>C, p.Ile9042Thr (NM_133378.4); c.29906T>C, p.Ile9969Thr (NM_001256850.1); c.13282+41867T>C (NM_003319.4); c.13858+41867T>C (NM_133437.4); c.13657+41867T>C (NM_133432.3); short protein forms I10286T, I9042T, I9969T.
Identifiers: ClinVar variation 178230 (VCV000178230.21), dbSNP rs369094355, ClinGen allele CA181851.